The following is an entry in ClinVar:

NM_000051.4(ATM):c.336A>T (p.Ala112=)

Gene: ATM (ATM serine/threonine kinase; plus strand). Cytogenetic location: 11q22.3.
Variant type: single nucleotide variant.
Coding change: c.336A>T on transcript NM_000051.4 (MANE Select); coding-DNA position 336, A replaced by T.
Protein change: p.Ala112=; no amino-acid change (alanine 112 retained).
Molecular consequence: synonymous variant.
Genome position (GRCh38, 1-based): chr11:108,235,674, A>T. VCF-style: chr11-108235674-A-T. GRCh37 (hg19) VCF-style: chr11-108106401-A-T.
Other names: c.336A>T, p.Ala112= (NM_001351834.2).
Identifiers: ClinVar variation 481305 (VCV000481305.15), dbSNP rs777759909, ClinGen allele CA476670338.

ClinVar aggregate classification (germline): Benign/Likely benign. Review status: criteria provided, multiple submitters, no conflicts (2 of 4 stars). 4 submissions from 4 submitters: Benign (1); Likely benign (3). Last evaluated 2025-05-05.

Conditions:
Hereditary cancer-predisposing syndrome. Also called: Tumor predisposition; Hereditary Cancer Syndrome; Neoplastic Syndromes, Hereditary; Hereditary neoplastic syndrome. Identifiers: Orphanet 140162, MedGen C0027672, MeSH D009386, MONDO:0015356.
Familial cancer of breast. Also called: hereditary breast carcinoma; Hereditary breast cancer; BREAST CANCER, FAMILIAL. Identifiers: Orphanet 227535, MedGen C0346153, MONDO:0016419, OMIM 114480. Disease mechanism: loss of function.
Ataxia-telangiectasia syndrome (AT). Also called: Cerebello-oculocutaneous telangiectasia; Immunodeficiency with ataxia telangiectasia; Ataxia-telangiectasia; Ataxia-telangiectasia, complementation group D; AT, COMPLEMENTATION GROUP C; ATAXIA-TELANGIECTASIA, COMPLEMENTATION GROUP A. Identifiers: Orphanet 100, MedGen C0004135, MONDO:0008840, OMIM 208900.

gnomAD v4.1: 1 of 1,606,720 alleles (0.000062%); highest among the groups gnomAD compares: Non-Finnish European, 0.000085%; no homozygotes.

Submissions (4):

Labcorp Genetics (formerly Invitae), Labcorp
Classification: Likely benign for Ataxia-telangiectasia syndrome. Last evaluated: 2025-05-05. Review status: criteria provided, single submitter. Criteria: Invitae Variant Classification Sherloc (09022015). Collection method: clinical testing. Allele origin: germline.

Myriad Genetics, Inc.
Classification: Benign for Familial cancer of breast. Last evaluated: 2024-04-19. Review status: criteria provided, single submitter. Criteria: Myriad Autosomal Dominant, Autosomal Recessive and X-Linked Classification Criteria (2023). Collection method: clinical testing. Allele origin: unknown.
Comment: This variant is considered benign. This variant is a silent/synonymous amino acid change and it is not expected to impact splicing.

Blueprint Genetics
Classification: Likely benign. Last evaluated: 2024-02-29. Review status: criteria provided, single submitter. Criteria: ACMG Guidelines, 2015. Collection method: clinical testing. Allele origin: germline.

Ambry Genetics
Classification: Likely benign for Hereditary cancer-predisposing syndrome. Last evaluated: 2016-11-15. Review status: criteria provided, single submitter. Criteria: Ambry Variant Classification Scheme 2023. Collection method: clinical testing. Allele origin: germline.